The following is an entry in ClinVar:

NM_002691.4(POLD1):c.2718-12A>G

Gene: POLD1 (DNA polymerase delta 1, catalytic subunit; plus strand). Cytogenetic location: 19q13.33.
Variant type: single nucleotide variant.
Coding change: c.2718-12A>G on transcript NM_002691.4 (MANE Select); 12 bases into the intron before coding-DNA position 2718, A replaced by G.
Molecular consequence: intron variant.
Genome position (GRCh38, 1-based): chr19:50,415,712, A>G. VCF-style: chr19-50415712-A-G. GRCh37 (hg19) VCF-style: chr19-50918969-A-G.
Other names: c.2718-12A>G (LRG_785t1, NM_001256849.1); c.2796-12A>G (LRG_785t2, NM_001308632.1).
Identifiers: ClinVar variation 380221 (VCV000380221.14), dbSNP rs3219433, ClinGen allele CA9596642.

ClinVar aggregate classification (germline): Benign. Review status: criteria provided, multiple submitters, no conflicts (2 of 4 stars). 9 submissions from 9 submitters: Benign (9). Last evaluated 2024-01-24.

Conditions:
Hereditary cancer-predisposing syndrome. Also called: Neoplastic Syndromes, Hereditary; Hereditary neoplastic syndrome; Hereditary Cancer Syndrome; Tumor predisposition. Identifiers: Orphanet 140162, MedGen C0027672, MeSH D009386, MONDO:0015356.
Mandibular hypoplasia-deafness-progeroid syndrome. Also called: Mandibular hypoplasia, deafness, progeroid features, and lipodystrophy syndrome. Identifiers: Orphanet 363649, MedGen C3715192, MONDO:0014157, OMIM 615381.
POLD1-related polyposis and colorectal cancer syndrome (CRCS10). Also called: Colorectal cancer, susceptibility to, 10; Colorectal cancer 10; COLORECTAL CANCER, SUSCEPTIBILITY TO, ON CHROMOSOME 19q. Identifiers: Orphanet 220460, MedGen C2675481, MONDO:0012953, OMIM 612591.

Allele frequency attached by ClinVar (database versions not stated): gnomAD exomes 0.14715; ESP Exome Variant Server 0.20937; TOPMed 0.23456; ExAC 0.26590; gnomAD 0.49249 and 0.49078; 1000 Genomes Project 0.28215; 1000 Genomes Project 30x 0.28623.
gnomAD v4.1: 166,459 of 970,990 alleles (17%); highest among the groups gnomAD compares: African/African-American, 63%; 18,031 homozygotes.

Submissions (9):

Unidad de Genómica Garrahan, Hospital de Pediatría Garrahan
Classification: Benign. Last evaluated: 2024-01-24. Review status: criteria provided, single submitter. Criteria: ACMG Guidelines, 2015. Collection method: clinical testing. Allele origin: germline. Affected: no. Observed: 23 variant alleles.
Comment: This variant is classified as Benign based on local population frequency. This variant was detected in 24% of patients studied by a panel of primary immunodeficiencies. Number of patients: 23. Only high quality variants are reported.

KCCC/NGS Laboratory, Kuwait Cancer Control Center
Classification: Benign for POLD1-related polyposis and colorectal cancer syndrome. Last evaluated: 2023-07-07. Review status: criteria provided, single submitter. Criteria: ACMG Guidelines, 2015. Collection method: clinical testing. Allele origin: germline. Affected: yes.

Genome-Nilou Lab
Classification: Benign for Mandibular hypoplasia-deafness-progeroid syndrome. Last evaluated: 2021-10-25. Review status: criteria provided, single submitter. Criteria: ACMG Guidelines, 2015. Collection method: clinical testing. Allele origin: germline. Affected: no.

Genetic Services Laboratory, University of Chicago
Classification: Benign. Last evaluated: 2017-11-08. Review status: criteria provided, single submitter. Criteria: ACMG Guidelines, 2015. Collection method: clinical testing. Allele origin: germline. Affected: no.

PreventionGenetics, part of Exact Sciences
Classification: Benign. Last evaluated: 2016-11-02. Review status: criteria provided, single submitter. Criteria: ACMG Guidelines, 2015. Collection method: clinical testing. Allele origin: germline.

Women's Health and Genetics/Laboratory Corporation of America, LabCorp
Classification: Benign. Last evaluated: 2016-05-19. Review status: criteria provided, single submitter. Criteria: LabCorp Variant Classification Summary - May 2015. Collection method: clinical testing. Allele origin: germline.
Comment: Variant summary: The POLD1 c.2718-12A>G variant involves the alteration of a non-conserved intronic nucleotide. One in silico tool predicts a benign outcome for this variant. 5/5 splice prediction tools predict no significant impact on normal splicing. This variant was found in 3998/15036 control chromosomes (617 homozygotes) at a frequency of 0.2658952, which is approximately 18719 times the estimated maximal expected allele frequency of a pathogenic POLD1 variant (0.0000142), suggesting this variant is likely a benign polymorphism. Taken together, this variant is classified as benign.

GeneDx
Classification: Benign. Last evaluated: 2015-11-06. Review status: criteria provided, single submitter. Criteria: GeneDx Variant Classification (06012015). Collection method: clinical testing. Allele origin: germline. Affected: yes.
Comment: This variant is considered likely benign or benign based on one or more of the following criteria: it is a conservative change, it occurs at a poorly conserved position in the protein, it is predicted to be benign by multiple in silico algorithms, and/or has population frequency not consistent with disease.

Ambry Genetics
Classification: Benign for Hereditary cancer-predisposing syndrome. Last evaluated: 2015-05-21. Review status: criteria provided, single submitter. Criteria: Ambry Variant Classification Scheme 2023. Collection method: clinical testing. Allele origin: germline.

Breakthrough Genomics
Classification: Benign. Review status: criteria provided, single submitter. Criteria: ACMG Guidelines, 2015. Collection method: not provided. Allele origin: germline. Inheritance: Autosomal dominant inheritance. Affected: yes.